The following is an entry in ClinVar:

ClinVar aggregate classification (germline): Likely pathogenic (1 of 4 stars; one submission).

Submission:

CeGaT Center for Human Genetics Tuebingen
Classification: Likely pathogenic. Last evaluated: 2026-09-01. Review status: criteria provided, single submitter. Criteria: CeGaT Center For Human Genetics Tuebingen Variant Classification Criteria Version 2. Collection method: clinical testing. Allele origin: germline. Affected: yes. Observed: 2 variant alleles.
Comment: EP300: PM1, PM2, PM5, PS4:Moderate, PP3

NM_001429.4(EP300):c.4301A>G (p.His1434Arg)

Gene: EP300 (EP300 lysine acetyltransferase; plus strand). Cytogenetic location: 22q13.2.
Variant type: single nucleotide variant.
Coding change: c.4301A>G on transcript NM_001429.4 (MANE Select); coding-DNA position 4301, A replaced by G.
Protein change: p.His1434Arg; replaces histidine 1434 with arginine.
Molecular consequence: missense variant.
Genome position (GRCh38, 1-based): chr22:41,170,420, A>G. VCF-style: chr22-41170420-A-G. GRCh37 (hg19) VCF-style: chr22-41566424-A-G.
Other names: c.4223A>G, p.His1408Arg (NM_001362843.2); short protein forms H1408R, H1434R.
Identifiers: ClinVar variation 4821933 (VCV004821933.4).